The following is an entry in ClinVar:

ClinVar aggregate classification (germline): Pathogenic (1 of 4 stars; one submission).

Conditions:
Hereditary spastic paraplegia 4. Also called: Spastic paraplegia 4, autosomal dominant; Spastic Paraplegia 4; Familial spastic paraplegia autosomal dominant 2. Identifiers: Orphanet 100985, MedGen C1866855, MONDO:0008438, OMIM 182601.

Submission:

Labcorp Genetics (formerly Invitae), Labcorp
Classification: Pathogenic for Hereditary spastic paraplegia 4. Last evaluated: 2022-06-07. Review status: criteria provided, single submitter. Criteria: Invitae Variant Classification Sherloc (09022015). Collection method: clinical testing. Allele origin: germline.
Comment: This sequence change creates a premature translational stop signal (p.Ala373Valfs*23) in the SPAST gene. It is expected to result in an absent or disrupted protein product. Loss-of-function variants in SPAST are known to be pathogenic (PMID: 20932283). This variant is not present in population databases (gnomAD no frequency). This variant has not been reported in the literature in individuals affected with SPAST-related conditions. ClinVar contains an entry for this variant (Variation ID: 1074538). For these reasons, this variant has been classified as Pathogenic.

Literature cited by the submitters: PubMed 20932283.

NM_014946.4(SPAST):c.1118del (p.Ala373fs)

Gene: SPAST (spastin; plus strand). Cytogenetic location: 2p22.3.
Variant type: Deletion.
Coding change: c.1118del on transcript NM_014946.4 (MANE Select); coding-DNA position 1118, one base deleted (C; older notation c.1118delC).
Protein change: p.Ala373fs; shifts the reading frame from alanine 373.
Molecular consequence: frameshift variant.
Genome position (GRCh38, 1-based): chr2:32,126,967, C deleted. VCF-style (leftmost placement, unchanged base first): chr2-32126966-GC-G. GRCh37 (hg19) VCF-style: chr2-32352035-GC-G.
Other names: c.1115del, p.Ala372fs (NM_001363823.2); c.1019del, p.Ala340fs (NM_001363875.2); c.1022del, p.Ala341fs (NM_001377959.1, NM_199436.2); short protein forms A340fs, A341fs, A372fs, A373fs.
Identifiers: ClinVar variation 1074538 (VCV001074538.7), dbSNP rs2148744935, ClinGen allele CA2499215903.